The following is an entry in ClinVar:

NM_016507.4(CDK12):c.3166G>A (p.Val1056Ile)

Gene: CDK12 (cyclin dependent kinase 12; plus strand). Cytogenetic location: 17q12.
Variant type: single nucleotide variant.
Coding change: c.3166G>A on transcript NM_016507.4 (MANE Select); coding-DNA position 3166, G replaced by A.
Protein change: p.Val1056Ile; replaces valine 1056 with isoleucine.
Molecular consequence: missense variant.
Genome position (GRCh38, 1-based): chr17:39,524,744, G>A. VCF-style: chr17-39524744-G-A. GRCh37 (hg19) VCF-style: chr17-37680997-G-A.
Other names: c.3166G>A, p.Val1056Ile (NM_015083.4); short protein forms V1056I.
Identifiers: ClinVar variation 3489262 (VCV003489262.1).

ClinVar aggregate classification (germline): Uncertain significance (1 of 4 stars; one submission).

gnomAD v4.1: 5 of 1,614,200 alleles (0.00031%); highest among the groups gnomAD compares: Non-Finnish European, 0.00042%; no homozygotes.

Submission:

Ambry Genetics
Classification: Uncertain significance. Last evaluated: 2024-11-23. Review status: criteria provided, single submitter. Criteria: Ambry Variant Classification Scheme 2023. Collection method: clinical testing. Allele origin: germline.
Comment: The p.V1056I variant (also known as c.3166G>A), located in coding exon 12 of the CDK12 gene, results from a G to A substitution at nucleotide position 3166. The valine at codon 1056 is replaced by isoleucine, an amino acid with highly similar properties. This amino acid position is conserved. In addition, this alteration is predicted to be tolerated by in silico analysis. Based on the available evidence, the clinical significance of this variant remains unclear.